The following is an entry in ClinVar:

ClinVar aggregate classification (germline): Pathogenic/Likely pathogenic. Review status: criteria provided, multiple submitters, no conflicts (2 of 4 stars). 34 submissions from 33 submitters: Pathogenic (25); Likely pathogenic (3). 6 of the submissions do not count toward it. Last evaluated 2026-03-13.

Conditions:
GNRHR-related disorder. Also called: GNRHR-related condition.
Pituitary hormone deficiency.
GNRHR-related disorders.
Isolated congenital hypogonadotropic hypogonadism. Also called: IDIOPATHIC HYPOGONADOTROPIC HYPOGONADISM; Isolated Gonadotropin-Releasing Hormone (GnRH) Deficiency. Identifiers: Orphanet 238666, MedGen C5679849, MONDO:0016553.
Hypogonadotropic hypogonadism. Also called: Isolated hypogonadotropic hypogonadism; Hypogonadotropic hypogonadism with or without anosmia; Hypogonadotrophic hypogonadism; Low gonadotropins (secondary hypogonadism). Identifiers: Orphanet 432, MedGen C0271623, MONDO:0018555, HP:0000044.
Inborn genetic diseases. Identifiers: MedGen C0950123, MeSH D030342.
Infertility disorder. Also called: Infertility. Identifiers: MedGen C0021359, MeSH D007246, MONDO:0005047, HP:0000789.
Hypogonadotropic hypogonadism 7 with or without anosmia (HH7). Also called: HYPOGONADOTROPIC HYPOGONADISM 7 WITHOUT ANOSMIA; GNRHR-Related GnRH Deficiency. Identifiers: Orphanet 432, MedGen C0342384, MONDO:0007794, OMIM 146110.
Gonadotropin deficiency. Identifiers: Orphanet 181387, MedGen C4552011, HP:0008213.

Allele frequency attached by ClinVar (database versions not stated): gnomAD exomes 0.00369 and 0.00284; 1000 Genomes Project 30x 0.00094; 1000 Genomes Project 0.00120; gnomAD 0.00234 and 0.00236; TOPMed 0.00238; ExAC 0.00252.
gnomAD v4.1: 5,708 of 1,613,870 alleles (0.35%); highest among the groups gnomAD compares: Middle Eastern, 0.53%; 10 homozygotes.

Submissions 1 to 11 of 34:

PreventionGenetics, part of Exact Sciences
Classification: Pathogenic for GNRHR-related condition. Last evaluated: 2026-03-13. Review status: criteria provided, single submitter. Criteria: ACMG Guidelines, 2015. Collection method: clinical testing. Allele origin: germline.
Comment: The GNRHR c.317A>G variant is predicted to result in the amino acid substitution p.Gln106Arg. This variant has been documented as causative for hypogonadotropic hypogonadism when present in the homozygous state or the compound heterozygous state with another pathogenic GNRHR variant (de Roux et al. 1997. PubMed ID: 9371856; Choi et al. 2005. PubMed ID: 26207952; Gianetti et al. 2012. PubMed ID: 22745237; Miraoui et al. 2013. PubMed ID: 23643382). In vitro functional studies have shown the p.Gln106Arg variant results in partial loss of function of the GNRHR receptor protein (de Roux et al. 1997. PubMed ID: 9371856; Leanos-Miranda et al. 2002. PubMed ID: 12364481; Gianetti et al. 2012. PubMed ID: 22745237). This variant is reported in 0.60% of alleles in individuals of Ashkenazi Jewish descent in gnomAD and is classified as likely pathogenic or pathogenic in ClinVar (Variation ID: 16023). This variant is interpreted as pathogenic.

CeGaT Center for Human Genetics Tuebingen
Classification: Pathogenic. Last evaluated: 2025-12-01. Review status: criteria provided, single submitter. Criteria: CeGaT Center For Human Genetics Tuebingen Variant Classification Criteria Version 2. Collection method: clinical testing. Allele origin: germline. Affected: yes. Observed: 6 variant alleles.
Comment: GNRHR: PM3:Very Strong, PP1:Strong, PM2:Supporting, PS3:Supporting

NHS Central & South Genomic Laboratory Hub
Classification: Pathogenic for Pituitary hormone deficiency. Last evaluated: 2025-10-21. Review status: criteria provided, single submitter. Criteria: ACMG Guidelines, 2015. Collection method: clinical testing. Allele origin: germline. Affected: yes.

Dasa
Classification: Pathogenic. Last evaluated: 2025-10-08. Review status: criteria provided, single submitter. Criteria: DASA Assertion Criteria. Collection method: clinical testing. Allele origin: germline.
Comment: NM_000406.3(GNRHR):c.317A>G (p.Gln106Arg) results in a glutamine-to-arginine substitution. Functional studies demonstrate a deleterious effect on receptor function (PMID: 9371856, 12364481, 12574221). The variant has been recurrently observed in individuals with hypogonadotropic hypogonadism, typically in trans with another pathogenic variant (PMID: 9371856, 10999776, 20696889). It is present at low frequency in population datasets. Based on the available data, this variant is classified as pathogenic.

NHS Central & South Genomic Laboratory Hub
Classification: Pathogenic for Hypogonadotropic hypogonadism. Last evaluated: 2025-04-09. Review status: criteria provided, single submitter. Criteria: ACMG Guidelines, 2015. Collection method: clinical testing. Allele origin: germline. Affected: yes.

First Genomix Gene Laboratory, Genetic Diagnostics Department
Classification: Pathogenic for Hypogonadotropic hypogonadism 7 with or without anosmia. Last evaluated: 2025-03-14. Review status: criteria provided, single submitter. Criteria: ACMG Guidelines, 2015. Collection method: clinical testing. Allele origin: germline. Inheritance: Autosomal recessive inheritance. Affected: no. Observed: 1 variant allele.

Labcorp Genetics (formerly Invitae), Labcorp
Classification: Pathogenic. Last evaluated: 2024-12-12. Review status: criteria provided, single submitter. Criteria: Invitae Variant Classification Sherloc (09022015). Collection method: clinical testing. Allele origin: germline.
Comment: This sequence change replaces glutamine, which is neutral and polar, with arginine, which is basic and polar, at codon 106 of the GNRHR protein (p.Gln106Arg). This variant is present in population databases (rs104893836, gnomAD 0.6%), and has an allele count higher than expected for a pathogenic variant. This missense change has been observed in individual(s) with varying degrees of HH or Kallman syndrome and hypogonadotropic hypogonadism (HH) (PMID: 9371856, 10999776, 11397871, 12057744, 20696889, 22745237, 23155690, 23643382, 26207952). It has also been observed to segregate with disease in related individuals. ClinVar contains an entry for this variant (Variation ID: 16023). Invitae Evidence Modeling of protein sequence and biophysical properties (such as structural, functional, and spatial information, amino acid conservation, physicochemical variation, residue mobility, and thermodynamic stability) indicates that this missense variant is not expected to disrupt GNRHR protein function with a negative predictive value of 80%. Experimental studies have shown that this missense change affects GNRHR function (PMID: 9371856, 12364481, 12574221, 15728205). For these reasons, this variant has been classified as Pathogenic.

Blueprint Genetics
Classification: Pathogenic for GNRHR-related disorders. Last evaluated: 2024-11-21. Review status: criteria provided, single submitter. Criteria: ACMG Guidelines, 2015. Collection method: clinical testing. Allele origin: germline. Affected: yes. Observed: 5 variant alleles.

Victorian Clinical Genetics Services, Murdoch Childrens Research Institute
Classification: Pathogenic for Hypogonadotropic hypogonadism 7 with or without anosmia. Last evaluated: 2024-10-09. Review status: criteria provided, single submitter. Criteria: ACMG Guidelines, 2015. Collection method: clinical testing. Allele origin: germline. Inheritance: Autosomal recessive inheritance.
Comment: Based on the classification scheme VCGS_Germline_v1.3.4, this variant is classified as Pathogenic. Following criteria are met: 0102 - Loss of function is a known mechanism of disease for this gene and is associated with hypogonadotropic hypogonadism 7 without anosmia (MIM#146110). (I) 0106 - This gene is known to be associated with autosomal recessive disease. (I) 0200 - Variant is predicted to result in a missense amino acid change from glutamine to arginine (I). 0251 - This variant is heterozygous. (I) 0304 - Variant is present in gnomAD (v2) <0.01 for recessive indication (773 heterozygotes, 2 homozygotes). Sub-population: European, non-Finnish (517 heterozygotes, 1 homozygote). (SP) 0502 - Missense variant with conflicting in silico predictions and uninformative conservation. Minor amino acid change, very high conservation. (I) 0600 - Variant is located in the annotated domain, seven-transmembrane G protein-coupled receptor superfamily, extracellular loop (DECIPHER, NCBI). (I) 0705 - No comparable variants have previous evidence for pathogenicity. (I) 0801 - This variant has very strong previous evidence of pathogenicity in unrelated individuals. There are multiple reports of homozygous and compound heterozygous individuals with hypogonadotropic hypogonadism (PMIDs: 9371856, 12057744, 20389088, 22745237, 25016926, 26207952, 29182666, ClinVar, HGMD). It has been reported to be the most frequent variant causing hypogonadotropic hypogonadism, and also considered a founder variant in Europeans, African-American and South Asian populations (PMID: 26207952). There have also been several reports of heterozygous patients, with the possibility of environmental factors contributing to the phenotype (PMIDs: 22745237, 23650335). (SP) 0902 - This variant has moderate evidence for segregation with disease (PMIDs: 9371856, 30476149). (SP) 1002 - This variant has moderate functional evidence supporting abnormal protein function. In vitro studies showed decreased binding to its ligand, GNRH (PMID: 9371856, 15728205). (SP) 1201 - Heterozygous variant detected in trans with a second pathogenic heterozygous variant (c.806C>T, p.(Thr269Met)) in a recessive disease. (I)

Fulgent Genetics
Classification: Likely pathogenic for Hypogonadotropic hypogonadism 7 with or without anosmia. Last evaluated: 2024-05-21. Review status: criteria provided, single submitter. Criteria: ACMG Guidelines, 2015. Collection method: clinical testing. Allele origin: germline.

Genomic Medicine Center of Excellence, King Faisal Specialist Hospital and Research Centre
Classification: Likely pathogenic for Hypogonadotropic hypogonadism 7 with or without anosmia. Last evaluated: 2024-03-29. Review status: criteria provided, single submitter. Criteria: ACMG Guidelines, 2015. Collection method: clinical testing. Allele origin: germline.

NM_000406.3(GNRHR):c.317A>G (p.Gln106Arg)

Gene: GNRHR (gonadotropin releasing hormone receptor; minus strand). Cytogenetic location: 4q13.2.
Variant type: single nucleotide variant.
Coding change: c.317A>G on transcript NM_000406.3 (MANE Select); coding-DNA position 317, A replaced by G.
Protein change: p.Gln106Arg; replaces glutamine 106 with arginine.
Molecular consequence: missense variant.
Genome position (GRCh38, 1-based): chr4:67,754,019, T>C on the plus strand (A>G on the coding strand, the complement: GNRHR is on the minus strand). VCF-style: chr4-67754019-T-C. GRCh37 (hg19) VCF-style: chr4-68619737-T-C.
Other names: c.317A>G, p.Gln106Arg (NM_001012763.2); short protein forms Q106R.
Identifiers: ClinVar variation 16023 (VCV000016023.98), dbSNP rs104893836, ClinGen allele CA130197.
Genomic context (GRCh38, chr4:67,754,019, plus strand): 5'-TACATGGAGAAAAGCTTTAGATAACTGAGAACTTTGCAGAGTAACTCTCCAGCATACCAT[T>C]GGACTGTAATGTTCCACATCCCATCCAGTGGCATGACAATCAGAGTCTCCAACAGGTTGG-3'
Protein context (NP_000397.1, residues 96-116): PLDGMWNITV[Gln106Arg]WYAGELLCKV